The following is an entry in ClinVar:

NM_003235.5(TG):c.4816+1G>T

Gene: TG (thyroglobulin; plus strand). Cytogenetic location: 8q24.22.
Variant type: single nucleotide variant.
Coding change: c.4816+1G>T on transcript NM_003235.5 (MANE Select); the canonical splice donor site of the intron after coding-DNA position 4816, G replaced by T.
Molecular consequence: splice donor variant.
Genome position (GRCh38, 1-based): chr8:132,929,193, G>T. VCF-style: chr8-132929193-G-T. GRCh37 (hg19) VCF-style: chr8-133941438-G-T.
Identifiers: ClinVar variation 2990079 (VCV002990079.3), dbSNP rs2490430133, ClinGen allele CA372249450.

ClinVar aggregate classification (germline): Likely pathogenic (1 of 4 stars; one submission).

Submission:

Labcorp Genetics (formerly Invitae), Labcorp
Classification: Likely pathogenic. Last evaluated: 2023-03-18. Review status: criteria provided, single submitter. Criteria: Invitae Variant Classification Sherloc (09022015). Collection method: clinical testing. Allele origin: germline.
Comment: In summary, the currently available evidence indicates that the variant is pathogenic, but additional data are needed to prove that conclusively. Therefore, this variant has been classified as Likely Pathogenic. Algorithms developed to predict the effect of sequence changes on RNA splicing suggest that this variant may disrupt the consensus splice site. Disruption of this splice site has been observed in individual(s) with congenital hypothyroidism (PMID: 31867598). This variant is not present in population databases (gnomAD no frequency). This sequence change affects a donor splice site in intron 23 of the TG gene. It is expected to disrupt RNA splicing. Variants that disrupt the donor or acceptor splice site typically lead to a loss of protein function (PMID: 16199547), and loss-of-function variants in TG are known to be pathogenic (PMID: 19837936, 23164529).

Literature cited by the submitters: PubMed 31867598; PubMed 16199547; PubMed 19837936; PubMed 23164529.